The following is an entry in ClinVar:

ClinVar aggregate classification (germline): Uncertain significance. Review status: criteria provided, multiple submitters, no conflicts (2 of 4 stars). 3 submissions from 3 submitters: Uncertain significance (3). Last evaluated 2025-08-04.

Conditions:
Nephronophthisis 20 (NPHP20). Identifiers: MedGen C4310640, MONDO:0014997, OMIM 617271.
Inborn genetic diseases. Identifiers: MedGen C0950123, MeSH D030342.

Allele frequency attached by ClinVar (database versions not stated): gnomAD 0.00006 and 0.00009; 1000 Genomes Project 0.00060; gnomAD exomes 0.00008 and 0.00002; 1000 Genomes Project 30x 0.00062; ExAC 0.00009; TOPMed 0.00002.
gnomAD v4.1: 56 of 1,614,070 alleles (0.0035%); highest among the groups gnomAD compares: East Asian, 0.033%; no homozygotes.

Submissions (4):

Ambry Genetics
Classification: Uncertain significance for Inborn genetic diseases. Last evaluated: 2025-08-04. Review status: criteria provided, single submitter. Criteria: Ambry Variant Classification Scheme 2023. Collection method: clinical testing. Allele origin: germline.

Labcorp Genetics (formerly Invitae), Labcorp
Classification: Uncertain significance. Last evaluated: 2024-10-25. Review status: criteria provided, single submitter. Criteria: Invitae Variant Classification Sherloc (09022015). Collection method: clinical testing. Allele origin: germline.
Comment: This sequence change replaces asparagine, which is neutral and polar, with serine, which is neutral and polar, at codon 76 of the MAPKBP1 protein (p.Asn76Ser). This variant is present in population databases (rs199917154, gnomAD 0.08%). This variant has not been reported in the literature in individuals affected with MAPKBP1-related conditions. ClinVar contains an entry for this variant (Variation ID: 1462825). An algorithm developed to predict the effect of missense changes on protein structure and function outputs the following: PolyPhen-2: "Benign". The serine amino acid residue is found in multiple mammalian species, which suggests that this missense change does not adversely affect protein function. In summary, the available evidence is currently insufficient to determine the role of this variant in disease. Therefore, it has been classified as a Variant of Uncertain Significance.

Fulgent Genetics
Classification: Uncertain significance for Nephronophthisis 20. Last evaluated: 2021-08-12. Review status: criteria provided, single submitter. Criteria: ACMG Guidelines, 2015. Collection method: clinical testing. Allele origin: unknown.

Dr. Peter K. Rogan Lab, Western University
No classification provided (evidence only). Condition: Malignant tumor of urinary bladder. Review status: no classification provided. Collection method: in vitro. Allele origin: not applicable. Functional consequence: retained intron. Not counted in ClinVar's aggregate classification.

NM_014994.3(MAPKBP1):c.227A>G (p.Asn76Ser)

Gene: MAPKBP1 (mitogen-activated protein kinase binding protein 1; plus strand). Cytogenetic location: 15q15.1.
Variant type: single nucleotide variant.
Coding change: c.227A>G on transcript NM_014994.3 (MANE Select); coding-DNA position 227, A replaced by G.
Protein change: p.Asn76Ser; replaces asparagine 76 with serine.
Molecular consequence: missense variant. On other transcripts: non-coding transcript variant (2).
Genome position (GRCh38, 1-based): chr15:41,810,903, A>G. VCF-style: chr15-41810903-A-G. GRCh37 (hg19) VCF-style: chr15-42103101-A-G.
Other names: c.227A>G (NM_001128608.1); c.227A>G, p.Asn76Ser (NM_001128608.2, NM_001265611.2); short protein forms N76S.
Identifiers: ClinVar variation 1462825 (VCV001462825.10), dbSNP rs199917154, ClinGen allele CA7497468.